The following is an entry in ClinVar:

NM_000214.3(JAG1):c.1466A>G (p.Asp489Gly)

Gene: JAG1 (jagged canonical Notch ligand 1; minus strand). Cytogenetic location: 20p12.2.
Variant type: single nucleotide variant.
Coding change: c.1466A>G on transcript NM_000214.3 (MANE Select); coding-DNA position 1466, A replaced by G.
Protein change: p.Asp489Gly; replaces aspartic acid 489 with glycine.
Molecular consequence: missense variant.
Genome position (GRCh38, 1-based): chr20:10,648,652, T>C on the plus strand (A>G on the coding strand, the complement: JAG1 is on the minus strand). VCF-style: chr20-10648652-T-C. GRCh37 (hg19) VCF-style: chr20-10629300-T-C.
Other names: short protein forms D489G.
Identifiers: ClinVar variation 3347856 (VCV003347856.1).

ClinVar aggregate classification (germline): Uncertain significance (0 of 4 stars; one submission).

Conditions:
JAG1-related disorder. Also called: JAG1-related condition; JAG1-related disorders.

Submission:

PreventionGenetics, part of Exact Sciences
Classification: Uncertain significance for JAG1-related condition. Last evaluated: 2024-07-18. Review status: no assertion criteria provided. Collection method: clinical testing. Allele origin: germline.
Comment: The JAG1 c.1466A>G variant is predicted to result in the amino acid substitution p.Asp489Gly. To our knowledge, this variant has not been reported in the literature or in a large population database, indicating this variant is rare. At this time, the clinical significance of this variant is uncertain due to the absence of conclusive functional and genetic evidence.